The following is an entry in ClinVar:

NM_007294.4(BRCA1):c.160C>G (p.Gln54Glu)

Gene: BRCA1 (BRCA1 DNA repair associated; minus strand). Cytogenetic location: 17q21.31.
Variant type: single nucleotide variant.
Coding change: c.160C>G on transcript NM_007294.4 (MANE Select); coding-DNA position 160, C replaced by G.
Protein change: p.Gln54Glu; replaces glutamine 54 with glutamic acid.
Molecular consequence: missense variant. On other transcripts: non-coding transcript variant (1).
Genome position (GRCh38, 1-based): chr17:43,106,508, G>C on the plus strand (C>G on the coding strand, the complement: BRCA1 is on the minus strand). VCF-style: chr17-43106508-G-C. GRCh37 (hg19) VCF-style: chr17-41258525-G-C.
Other names: c.-29C>G (NM_001407571.1, NM_001407853.1, NM_001407879.1 and 58 more transcripts); c.160C>G, p.Gln54Glu (NM_001407581.1, NM_001407582.1, NM_001407583.1 and 168 more transcripts); c.19C>G, p.Gln7Glu (NM_001407692.1, NM_001407694.1, NM_001407695.1 and 99 more transcripts); short protein forms Q54E, Q7E.
Identifiers: ClinVar variation 868234 (VCV000868234.8), dbSNP rs80356864, ClinGen allele CA10601836.
Genomic context (GRCh38, chr17:43,106,508, plus strand): 5'-TTATATACCTTTTGGTTATATCATTCTTACATAAAGGACACTGTGAAGGCCCTTTCTTCT[G>C]GTTGAGAAGTTTCAGCATGCAAAATCTATAAATTATAAAGAAAGAAAGAACAATTTAATT-3'
Protein context (NP_009225.1, residues 44-64): CKFCMLKLLN[Gln54Glu]KKGPSQCPLC

ClinVar aggregate classification (germline): Uncertain significance (1 of 4 stars; one submission).

Conditions:
Hereditary breast ovarian cancer syndrome. Also called: Hereditary breast and ovarian cancer; Hereditary breast and ovarian cancer syndrome (HBOC); Breast and ovarian cancer; Hereditary breast and/or ovarian cancer syndrome; BRCA1- and BRCA2-Associated Hereditary Breast and Ovarian Cancer; Hereditary breast and ovarian cancer syndrome. Identifiers: Orphanet 145, MedGen C0677776, MeSH D061325, MONDO:0003582. Disease mechanism: loss of function.

Submissions (2):

Labcorp Genetics (formerly Invitae), Labcorp
Classification: Uncertain significance for Hereditary breast ovarian cancer syndrome. Last evaluated: 2021-12-13. Review status: criteria provided, single submitter. Criteria: Invitae Variant Classification Sherloc (09022015). Collection method: clinical testing. Allele origin: germline.
Comment: This sequence change replaces glutamine, which is neutral and polar, with glutamic acid, which is acidic and polar, at codon 54 of the BRCA1 protein (p.Gln54Glu). In summary, the available evidence is currently insufficient to determine the role of this variant in disease. Therefore, it has been classified as a Variant of Uncertain Significance. Experimental studies have shown that this missense change does not substantially affect BRCA1 function (PMID: 30209399). Advanced modeling of protein sequence and biophysical properties (such as structural, functional, and spatial information, amino acid conservation, physicochemical variation, residue mobility, and thermodynamic stability) performed at Invitae indicates that this missense variant is not expected to disrupt BRCA1 protein function. ClinVar contains an entry for this variant (Variation ID: 868234). This variant has not been reported in the literature in individuals affected with BRCA1-related conditions. This variant is not present in population databases (gnomAD no frequency).

Brotman Baty Institute, University of Washington
No classification provided (evidence only). Condition: Breast-ovarian cancer, familial 1. Review status: no classification provided. Collection method: in vitro. Allele origin: not applicable. Functional consequence: functionally_normal. Not counted in ClinVar's aggregate classification.
ClinVar note: "not provided" was previously submitted as the classification for the variant. However, the classification appeared to be based only on an observation of functional data so it was converted to no classification on 2025-07-30.

Literature cited by the submitters: PubMed 30209399 (cited by Labcorp Genetics (formerly Invitae), Labcorp).